The following is an entry in ClinVar:

ClinVar aggregate classification (germline): Uncertain significance. Review status: criteria provided, multiple submitters, no conflicts (2 of 4 stars). 5 submissions from 5 submitters: Uncertain significance (5). Last evaluated 2025-10-02.

Conditions:
Inborn genetic diseases. Identifiers: MedGen C0950123, MeSH D030342.
Developmental and epileptic encephalopathy, 18 (DEE18). Also called: Early infantile epileptic encephalopathy 18. Identifiers: Orphanet 369894, MedGen C3809624, MONDO:0014201, OMIM 615476.

Allele frequency attached by ClinVar (database versions not stated): TOPMed below 0.00001; gnomAD 0.00001.
gnomAD v4.1: 1 of 1,611,428 alleles (0.000062%); highest among the groups gnomAD compares: Admixed American, 0.0017%; no homozygotes.

Submissions (5):

Ambry Genetics
Classification: Uncertain significance for Inborn genetic diseases. Last evaluated: 2025-10-02. Review status: criteria provided, single submitter. Criteria: Ambry Variant Classification Scheme 2023. Collection method: clinical testing. Allele origin: germline.

Genome-Nilou Lab
Classification: Uncertain significance for Developmental and epileptic encephalopathy, 18. Last evaluated: 2023-04-11. Review status: criteria provided, single submitter. Criteria: ACMG Guidelines, 2015. Collection method: clinical testing. Allele origin: germline. Affected: no.

GeneDx
Classification: Uncertain significance. Last evaluated: 2022-11-07. Review status: criteria provided, single submitter. Criteria: GeneDx Variant Classification Process June 2021. Collection method: clinical testing. Allele origin: germline. Affected: yes.
Comment: Has not been previously published as pathogenic or benign to our knowledge; Not observed at significant frequency in large population cohorts (gnomAD); In silico analysis supports that this missense variant does not alter protein structure/function

Labcorp Genetics (formerly Invitae), Labcorp
Classification: Uncertain significance. Last evaluated: 2022-08-28. Review status: criteria provided, single submitter. Criteria: Invitae Variant Classification Sherloc (09022015). Collection method: clinical testing. Allele origin: germline.
Comment: This sequence change replaces lysine, which is basic and polar, with asparagine, which is neutral and polar, at codon 1421 of the SZT2 protein (p.Lys1421Asn). This variant is not present in population databases (gnomAD no frequency). This variant has not been reported in the literature in individuals affected with SZT2-related conditions. ClinVar contains an entry for this variant (Variation ID: 1162842). Algorithms developed to predict the effect of missense changes on protein structure and function are either unavailable or do not agree on the potential impact of this missense change (SIFT: "Tolerated"; PolyPhen-2: "Possibly Damaging"; Align-GVGD: "Class C0"). In summary, the available evidence is currently insufficient to determine the role of this variant in disease. Therefore, it has been classified as a Variant of Uncertain Significance.

Mayo Clinic Laboratories, Mayo Clinic
Classification: Uncertain significance. Last evaluated: 2019-07-08. Review status: criteria provided, single submitter. Criteria: ACMG Guidelines, 2015. Collection method: clinical testing. Allele origin: germline. Observed: 1 variant allele.

NM_001365999.1(SZT2):c.4434A>T (p.Lys1478Asn)

Gene: SZT2 (SZT2 subunit of KICSTOR complex; plus strand). Cytogenetic location: 1p34.2.
Variant type: single nucleotide variant.
Coding change: c.4434A>T on transcript NM_001365999.1 (MANE Select); coding-DNA position 4434, A replaced by T.
Protein change: p.Lys1478Asn; replaces lysine 1478 with asparagine.
Molecular consequence: missense variant.
Genome position (GRCh38, 1-based): chr1:43,430,343, A>T. VCF-style: chr1-43430343-A-T. GRCh37 (hg19) VCF-style: chr1-43896014-A-T.
Other names: c.4263A>T, p.Lys1421Asn (NM_015284.4); short protein forms K1421N, K1478N.
Identifiers: ClinVar variation 1162842 (VCV001162842.13), dbSNP rs1653716206, ClinGen allele CA340021293.